The following is an entry in ClinVar:

NM_001440.4(EXTL3):c.2546T>C (p.Ile849Thr)

Gene: EXTL3 (exostosin like glycosyltransferase 3; plus strand). Cytogenetic location: 8p21.1.
Variant type: single nucleotide variant.
Coding change: c.2546T>C on transcript NM_001440.4 (MANE Select); coding-DNA position 2546, T replaced by C.
Protein change: p.Ile849Thr; replaces isoleucine 849 with threonine.
Molecular consequence: missense variant. On other transcripts: non-coding transcript variant (1).
Genome position (GRCh38, 1-based): chr8:28,743,210, T>C. VCF-style: chr8-28743210-T-C. GRCh37 (hg19) VCF-style: chr8-28600727-T-C.
Other names: short protein forms I849T.
Identifiers: ClinVar variation 1522508 (VCV001522508.8), dbSNP rs2130793452, ClinGen allele CA370849826.

ClinVar aggregate classification (germline): Uncertain significance (1 of 4 stars; one submission).

Submission:

Labcorp Genetics (formerly Invitae), Labcorp
Classification: Uncertain significance. Last evaluated: 2022-08-23. Review status: criteria provided, single submitter. Criteria: Invitae Variant Classification Sherloc (09022015). Collection method: clinical testing. Allele origin: germline.
Comment: In summary, the available evidence is currently insufficient to determine the role of this variant in disease. Therefore, it has been classified as a Variant of Uncertain Significance. Algorithms developed to predict the effect of missense changes on protein structure and function (SIFT, PolyPhen-2, Align-GVGD) all suggest that this variant is likely to be disruptive. ClinVar contains an entry for this variant (Variation ID: 1522508). This variant has not been reported in the literature in individuals affected with EXTL3-related conditions. This variant is not present in population databases (gnomAD no frequency). This sequence change replaces isoleucine, which is neutral and non-polar, with threonine, which is neutral and polar, at codon 849 of the EXTL3 protein (p.Ile849Thr).